The following is an entry in ClinVar:

ClinVar aggregate classification (germline): Uncertain significance (1 of 4 stars; one submission).

gnomAD v4.1: 5 of 1,614,168 alleles (0.00031%); highest among the groups gnomAD compares: Non-Finnish European, 0.00042%; no homozygotes.

Submission:

Labcorp Genetics (formerly Invitae), Labcorp
Classification: Uncertain significance. Last evaluated: 2023-08-16. Review status: criteria provided, single submitter. Criteria: Invitae Variant Classification Sherloc (09022015). Collection method: clinical testing. Allele origin: germline.
Comment: In summary, the available evidence is currently insufficient to determine the role of this variant in disease. Therefore, it has been classified as a Variant of Uncertain Significance. Advanced modeling of protein sequence and biophysical properties (such as structural, functional, and spatial information, amino acid conservation, physicochemical variation, residue mobility, and thermodynamic stability) performed at Invitae indicates that this missense variant is not expected to disrupt SETBP1 protein function. This variant has not been reported in the literature in individuals affected with SETBP1-related conditions. This variant is not present in population databases (gnomAD no frequency). This sequence change replaces serine, which is neutral and polar, with asparagine, which is neutral and polar, at codon 1349 of the SETBP1 protein (p.Ser1349Asn).

NM_015559.3(SETBP1):c.4046G>A (p.Ser1349Asn)

Gene: SETBP1 (SET binding protein 1; plus strand). Cytogenetic location: 18q12.3.
Variant type: single nucleotide variant.
Coding change: c.4046G>A on transcript NM_015559.3 (MANE Select); coding-DNA position 4046, G replaced by A.
Protein change: p.Ser1349Asn; replaces serine 1349 with asparagine.
Molecular consequence: missense variant. On other transcripts: intron variant (1).
Genome position (GRCh38, 1-based): chr18:45,038,530, G>A. VCF-style: chr18-45038530-G-A. GRCh37 (hg19) VCF-style: chr18-42618495-G-A.
Other names: c.4046G>A, p.Ser1349Asn (NM_001379141.1, NM_001379142.1); c.4001-24549G>A (NM_001410862.1); short protein forms S1349N.
Identifiers: ClinVar variation 2752881 (VCV002752881.3), dbSNP rs1178340807, ClinGen allele CA402482400.